The following is an entry in ClinVar:

NM_001018005.2(TPM1):c.574G>A (p.Glu192Lys)

Gene: TPM1 (tropomyosin 1; plus strand). Cytogenetic location: 15q22.2.
Variant type: single nucleotide variant.
Coding change: c.574G>A on transcript NM_001018005.2 (MANE Select); coding-DNA position 574, G replaced by A.
Protein change: p.Glu192Lys; replaces glutamic acid 192 with lysine.
Molecular consequence: missense variant. On other transcripts: intron variant (6).
Genome position (GRCh38, 1-based): chr15:63,061,723, G>A. VCF-style: chr15-63061723-G-A. GRCh37 (hg19) VCF-style: chr15-63353922-G-A.
Other names: p.E192K:GAG>AAG; c.574G>A, p.Glu192Lys (NM_001018004.2, NM_001018007.2, NM_001301244.2 and 3 more transcripts); c.466G>A, p.Glu156Lys (NM_001018008.2, NM_001301289.2, NM_001330346.2 and 2 more transcripts); c.700G>A, p.Glu234Lys (NM_001365778.1); c.639+450G>A (NM_001018020.2, NM_001018006.2, NM_000366.6); c.531+450G>A (NM_001330351.2, NM_001330344.2, NM_001365781.2); short protein forms E192K, E156K, E234K.
Identifiers: ClinVar variation 31882 (VCV000031882.45), dbSNP rs199476315, ClinGen allele CA018196.

ClinVar aggregate classification (germline): Pathogenic/Likely pathogenic. Review status: criteria provided, multiple submitters, no conflicts (2 of 4 stars). 25 submissions from 25 submitters: Pathogenic (15); Likely pathogenic (7). 3 of the submissions do not count toward it. Last evaluated 2026-01-07.

Conditions:
TPM1-related disorder. Also called: TPM1-related condition.
Left ventricular noncompaction 9 (LVNC9). Identifiers: MedGen C3808145, MONDO:0800346.
Cardiovascular phenotype. Identifiers: MedGen CN230736.
Hypertrophic cardiomyopathy 3. Also called: TPM1-Related Familial Hypertrophic Cardiomyopathy. Identifiers: MedGen C1861863, MONDO:0007267, OMIM 115196.
Dilated cardiomyopathy 1Y (CMD1Y). Identifiers: Orphanet 154, Orphanet 54260, MedGen C2678476, MONDO:0012744, OMIM 611878.
Cardiomyopathy (CMYO). Also called: Cardiomyopathies. Identifiers: Orphanet 167848, MedGen C0878544, MONDO:0004994, HP:0001638. Inheritance: Various modes of inheritance.
Primary dilated cardiomyopathy (DCM). Also called: Dilated Cardiomyopathy. Identifiers: Orphanet 217604, MedGen C0007193, MeSH D002311, MONDO:0005021, HP:0001644. Inheritance: Various modes of inheritance.
Hypertrophic cardiomyopathy. Also called: HYPERTROPHIC MYOCARDIOPATHY. Identifiers: Orphanet 217569, MedGen C0007194, MeSH D002312, MONDO:0005045, HP:0001639.

gnomAD v4.1: 3 of 1,613,884 alleles (0.00019%); highest among the groups gnomAD compares: Non-Finnish European, 0.00025%; no homozygotes.

Submissions 1 to 7 of 25:

Labcorp Genetics (formerly Invitae), Labcorp
Classification: Pathogenic for Hypertrophic cardiomyopathy. Last evaluated: 2026-01-07. Review status: criteria provided, single submitter. Criteria: Invitae Variant Classification Sherloc (09022015). Collection method: clinical testing. Allele origin: germline.
Comment: This sequence change replaces glutamic acid, which is acidic and polar, with lysine, which is basic and polar, at codon 192 of the TPM1 protein (p.Glu192Lys). This variant is not present in population databases (gnomAD no frequency). This missense change has been observed in individuals with hypertrophic cardiomyopathy and/or left-ventricular non-compaction (PMID: 18409188, 20031602, 21551322, 23771913, 24510615, 26960954, 27639548). It has also been observed to segregate with disease in related individuals. ClinVar contains an entry for this variant (Variation ID: 31882). An algorithm developed specifically for the TPM1 gene suggests that this missense change is likely to be deleterious (PMID: 21310275). For these reasons, this variant has been classified as Pathogenic.

3billion
Classification: Pathogenic for Hypertrophic cardiomyopathy 3. Last evaluated: 2025-11-24. Review status: criteria provided, single submitter. Criteria: ACMG Guidelines, 2015. Collection method: clinical testing. Allele origin: germline. Affected: yes.
Comment: The variant is observed at an extremely low frequency in the gnomAD v4.1.0 dataset (total allele frequency: <0.001%). Predicted Consequence/Location: Missense variant In silico tool predictions suggest damaging effect of the variant on gene or gene product [3Cnet: 1.00 (> 0.75, sensitivity 0.96 and precision 0.92)]. The same nucleotide change resulting in the same amino acid change has been previously reported as pathogenic/likely pathogenic with strong evidence (ClinVar ID: VCV000031882 /PMID: 12860912 /3billion dataset). The variant has been observed in multiple (>3) similarly affected unrelated individuals (PMID: 24510615, 26960954, 27639548, 33297573). The variant has been reported to co-segregate with the disease in at least 3 similarly affected relatives/individuals in the same family or similarly affected unrelated families (PMID: 26960954). Therefore, this variant is classified as Pathogenic according to the recommendation of ACMG/AMP guideline.

PreventionGenetics, part of Exact Sciences
Classification: Pathogenic for TPM1-related condition. Last evaluated: 2025-06-23. Review status: criteria provided, single submitter. Criteria: ACMG Guidelines, 2015. Collection method: clinical testing. Allele origin: germline.
Comment: The TPM1 c.700G>A variant is predicted to result in the amino acid substitution p.Glu234Lys. This variant was reported in numerous individuals with hypertrophic cardiomyopathy (Van Driest et al. 2003. PubMed ID: 12860912; Mango et al. 2016. PubMed ID: 26960954; Table S1B, Walsh et al. 2017. PubMed ID: 27532257; Micheu et al. 2020. PubMed ID: 33297573) and rarely with left ventricular noncompaction (Probst et al. 2011. PubMed ID: 21551322). Functional studies showed that this variant impacts normal protein function (Sewanan et al. 2021. PubMed ID: 34319370). This variant has not been reported in a large population database (gnomAD), indicating this variant is rare. This variant is interpreted as pathogenic.

North West Genomic Laboratory Hub, Manchester University NHS Foundation Trust
Classification: Pathogenic for Hypertrophic cardiomyopathy 3. Last evaluated: 2024-11-19. Review status: criteria provided, single submitter. Criteria: ACGS Best Practice Guidelines for Variant Classification in Rare Disease 2024. Collection method: clinical testing. Allele origin: germline. Affected: yes.
Comment: PP1_Str PP2_Supp PS3_Supp PS4_Str

Dasa
Classification: Pathogenic. Last evaluated: 2024-11-18. Review status: criteria provided, single submitter. Criteria: DASA Assertion Criteria. Collection method: clinical testing. Allele origin: germline.
Comment: NM_001018005.2(TPM1):c.574G>A (p.Glu192Lys) is a missense variant that results in the substitution of glutamic acid with lysine. Segregation evidence has been reported in affected families. This variant has been recurrently observed in individuals with related phenotype (PMID: 27532257; PMID: 26960954). Multiple computational predictions support a deleterious effect on the gene or gene product. The variant is present at low frequency in population datasets. Based on the available data, this variant is classified as pathogenic.

Illumina Laboratory Services, Illumina
Classification: Likely pathogenic for Primary dilated cardiomyopathy. Last evaluated: 2024-10-28. Review status: criteria provided, single submitter. Criteria: ICSLVariantClassificationCriteria RUGD 01 April 2020. Collection method: clinical testing. Allele origin: unknown.
Comment: The TPM1 c.574G>A p.(Glu192Lys) missense variant has been identified in more than twenty individuals with a phenotype consistent with hypertrophic cardiomyopathy (PMID: 24510615, 25611685, 27639548, 28615295, 31006259). This variant has been shown to segregate with disease in a family (PMID: 26960954). This variant is not observed at a significant frequency in version 2.1.1 or version 4.1.0 of the Genome Aggregation Database. This variant has been classified as pathogenic by at least three submitters in ClinVar. Based on the available evidence, the c.574G>A p.(Glu192Lys) variant is classified as likely pathogenic for TPM1-related cardiomyopathy.

ARUP Laboratories, Molecular Genetics and Genomics, ARUP Laboratories
Classification: Likely pathogenic. Last evaluated: 2024-10-25. Review status: criteria provided, single submitter. Criteria: ARUP Molecular Germline Variant Investigation Process 2024. Collection method: clinical testing. Allele origin: germline.
Comment: The TPM1 c.574G>A; p.Glu192Lys variant (rs199476315, ClinVar Variation ID: 31882) is reported in the literature in numerous individuals affected with hypertrophic cardiomyopathy (HCM; selected references: Sewanan 2021, Van Driest 2003, Walsh 2017) and two individuals with left ventricular non-compaction cardiomyopathy (LVNC) (Probst 2011, Schultze-Berndt 2021). This variant has been reported to segregate with disease in a family with HCM with electrical instability of Brugada syndrome (Mango 2016). This variant is absent from the Genome Aggregation Database (v2.1.1), indicating it is not a common polymorphism. Functional analyses of the variant protein show a more flexible TPM1 protein and Ca2+ sensitivity (Sewanan 2021). Computational analyses are uncertain whether this variant is neutral or deleterious (REVEL: 0.587). Based on available information, this variant is considered to be likely pathogenic. References: Mango R et al. Next Generation Sequencing and Linkage Analysis for the Molecular Diagnosis of a Novel Overlapping Syndrome Characterized by Hypertrophic Cardiomyopathy and Typical Electrical Instability of Brugada Syndrome. Circ J. 2016;80(4):938-49. PMID: 26960954. Probst S et al. Sarcomere gene mutations in isolated left ventricular noncompaction cardiomyopathy do not predict clinical phenotype. Circ Cardiovasc Genet. 2011 Aug 1;4(4):367-74. PMID: 21551322. Schultze-Berndt A et al. Reduced Systolic Function and Not Genetic Variants Determine Outcome in Pediatric and Adult Left Ventricular Noncompaction Cardiomyopathy. Front Pediatr. 2021 Sep 3;9:722926. PMID: 34540771. Sewanan LR et al. Loss of crossbridge inhibition drives pathological cardiac hypertrophy in patients harboring the TPM1 E192K mutation. J Gen Physiol. 2021 Sep 6;153(9):e202012640. PMID: 34319370. Van Driest SL et al. Prevalence and spectrum of thin filament mutations in an outpatient referral population with hypertrophic cardiomyopathy. Circulation. 2003 Jul 29;108(4):445-51. PMID: 12860912. Walsh R et al. Reassessment of Mendelian gene pathogenicity using 7,855 cardiomyopathy cases and 60,706 reference samples. Genet Med. 2017 Feb;19(2):192-203. PMID: 27532257.